The following is an entry in ClinVar:

ClinVar aggregate classification (germline): Uncertain significance (1 of 4 stars; one submission).

Conditions:
Diamond-Blackfan anemia. Also called: Blackfan Diamond syndrome; Aregenerative anemia chronic congenital; Red cell aplasia, pure hereditary; Congenital hypoplastic anemia; Aase syndrome. Identifiers: Orphanet 124, MedGen C1260899, MeSH D029503, MONDO:0015253, HP:0004810.
GATA binding protein 1 related thrombocytopenia with dyserythropoiesis. Also called: GATA1-Related Cytopenia; GATA1-Related X-Linked Cytopenia. Identifiers: MedGen C1845837, MONDO:0100089.

Submission:

Labcorp Genetics (formerly Invitae), Labcorp
Classification: Uncertain significance for GATA binding protein 1 related thrombocytopenia with dyserythropoiesis; Diamond-Blackfan anemia. Last evaluated: 2023-12-12. Review status: criteria provided, single submitter. Criteria: Invitae Variant Classification Sherloc (09022015). Collection method: clinical testing. Allele origin: germline.
Comment: This sequence change replaces glycine, which is neutral and non-polar, with valine, which is neutral and non-polar, at codon 366 of the GATA1 protein (p.Gly366Val). This variant is not present in population databases (gnomAD no frequency). This variant has not been reported in the literature in individuals affected with GATA1-related conditions. Advanced modeling of protein sequence and biophysical properties (such as structural, functional, and spatial information, amino acid conservation, physicochemical variation, residue mobility, and thermodynamic stability) performed at Invitae indicates that this missense variant is not expected to disrupt GATA1 protein function with a negative predictive value of 80%. In summary, the available evidence is currently insufficient to determine the role of this variant in disease. Therefore, it has been classified as a Variant of Uncertain Significance.

NM_002049.4(GATA1):c.1097G>T (p.Gly366Val)

Gene: GATA1 (GATA binding protein 1; plus strand). Cytogenetic location: Xp11.23.
Variant type: single nucleotide variant.
Coding change: c.1097G>T on transcript NM_002049.4 (MANE Select); coding-DNA position 1097, G replaced by T.
Protein change: p.Gly366Val; replaces glycine 366 with valine.
Molecular consequence: missense variant.
Genome position (GRCh38, 1-based): chrX:48,794,019, G>T. VCF-style: chrX-48794019-G-T. GRCh37 (hg19) VCF-style: chrX-48652426-G-T.
Other names: short protein forms G366V.
Identifiers: ClinVar variation 2954374 (VCV002954374.3), dbSNP rs2062682875, ClinGen allele CA412871938.
Genomic context (GRCh38, chrX:48,794,019, plus strand): 5'-GTGGGGAGGTGGCTTCAGGCCTGACACTGGGCCCCCCAGGTACTGCCCATCTCTACCAAG[G>T]CCTGGGCCCTGTGGTGCTGTCAGGGCCTGTTAGCCACCTCATGCCTTTCCCTGGACCCCT-3'
Protein context (NP_002040.1, residues 356-376): GPPGTAHLYQ[Gly366Val]LGPVVLSGPV